The following is an entry in ClinVar:

NM_001164665.2(KIAA1549):c.2035C>A (p.Gln679Lys)

Gene: KIAA1549 (KIAA1549; minus strand). Cytogenetic location: 7q34.
Variant type: single nucleotide variant.
Coding change: c.2035C>A on transcript NM_001164665.2 (MANE Select); coding-DNA position 2035, C replaced by A.
Protein change: p.Gln679Lys; replaces glutamine 679 with lysine.
Molecular consequence: missense variant.
Genome position (GRCh38, 1-based): chr7:138,917,591, G>T on the plus strand (C>A on the coding strand, the complement: KIAA1549 is on the minus strand). VCF-style: chr7-138917591-G-T. GRCh37 (hg19) VCF-style: chr7-138602337-G-T.
Other names: c.2035C>A, p.Gln679Lys (NM_020910.3); short protein forms Q679K.
Identifiers: ClinVar variation 1432153 (VCV001432153.8), dbSNP rs2130478916, ClinGen allele CA369394427.

ClinVar aggregate classification (germline): Uncertain significance (1 of 4 stars; one submission).

Submission:

Labcorp Genetics (formerly Invitae), Labcorp
Classification: Uncertain significance. Last evaluated: 2021-06-28. Review status: criteria provided, single submitter. Criteria: Invitae Variant Classification Sherloc (09022015). Collection method: clinical testing. Allele origin: germline.
Comment: This sequence change replaces glutamine with lysine at codon 679 of the KIAA1549 protein (p.Gln679Lys). The glutamine residue is moderately conserved and there is a small physicochemical difference between glutamine and lysine. This variant is not present in population databases (ExAC no frequency). This variant has not been reported in the literature in individuals affected with KIAA1549-related conditions. Algorithms developed to predict the effect of missense changes on protein structure and function (SIFT, PolyPhen-2, Align-GVGD) all suggest that this variant is likely to be tolerated. In summary, the available evidence is currently insufficient to determine the role of this variant in disease. Therefore, it has been classified as a Variant of Uncertain Significance.